The following is an entry in ClinVar:

NM_001673.5(ASNS):c.674-11T>C

Genes: ASNS (asparagine synthetase (glutamine-hydrolyzing); minus strand), CZ1P-ASNS (CZ1P-ASNS readthrough; minus strand). Cytogenetic location: 7q21.3.
Variant type: single nucleotide variant.
Coding change: c.674-11T>C on transcript NM_001673.5 (MANE Select); 11 bases into the intron before coding-DNA position 674, T replaced by C.
Molecular consequence: intron variant.
Genome position (GRCh38, 1-based): chr7:97,858,966, A>G on the plus strand (T>C on the coding strand, the complement: ASNS is on the minus strand). VCF-style: chr7-97858966-A-G. GRCh37 (hg19) VCF-style: chr7-97488278-A-G.
Other names: c.674-11T>C (NM_001352496.2, NM_183356.4, NM_133436.3); c.425-11T>C (NM_001178076.2, NM_001178077.1); c.611-11T>C (NM_001178075.2).
Identifiers: ClinVar variation 4848283 (VCV004848283.1).

ClinVar aggregate classification (germline): Likely benign (1 of 4 stars; one submission).

gnomAD v4.1: 2 of 1,597,132 alleles (0.00013%); no homozygotes.

Submission:

Women's Health and Genetics/Laboratory Corporation of America, LabCorp
Classification: Likely benign. Last evaluated: 2026-02-17. Review status: criteria provided, single submitter. Criteria: LabCorp Variant Classification Summary - May 2015. Collection method: clinical testing. Allele origin: germline.
Comment: Variant summary: ASNS c.674-11T>C alters a non-conserved nucleotide located at a position not widely known to affect splicing. Consensus agreement among computation tools predict no significant impact on normal splicing. However, these predictions have yet to be confirmed by functional studies. The variant was absent in 234610 control chromosomes. The available data on variant occurrences in the general population are insufficient to allow any conclusion about variant significance. To our knowledge, no occurrence of c.674-11T>C in individuals affected with ASNS-related conditions and no experimental evidence demonstrating its impact on protein function have been reported. No submitters have cited clinical-significance assessments for this variant to ClinVar. Based on the evidence outlined above, the variant was classified as likely benign.